The following is an entry in ClinVar:

ClinVar aggregate classification (germline): Conflicting classifications of pathogenicity. Review status: criteria provided, conflicting classifications (1 of 4 stars). 3 submissions from 3 submitters: Uncertain significance (1); Likely benign (2). Last evaluated 2023-01-01.

Conditions:
Autosomal dominant nonsyndromic hearing loss 4A. Also called: Deafness, autosomal dominant 4A. Identifiers: Orphanet 90635, MedGen C1833503, MONDO:0010915, OMIM 600652.

Allele frequency attached by ClinVar (database versions not stated): ExAC 0.00010; gnomAD exomes 0.00010 and 0.00013; gnomAD 0.00011 and 0.00021; ESP Exome Variant Server 0.00022; TOPMed 0.00024.
gnomAD v4.1: 216 of 1,551,382 alleles (0.014%); highest among the groups gnomAD compares: Middle Eastern, 0.37%; 1 homozygote.

Submissions (3):

CeGaT Center for Human Genetics Tuebingen
Classification: Likely benign. Last evaluated: 2023-01-01. Review status: criteria provided, single submitter. Criteria: CeGaT Center For Human Genetics Tuebingen Variant Classification Criteria Version 2. Collection method: clinical testing. Allele origin: germline. Affected: yes. Observed: 2 variant alleles.
Comment: MYH14: BP4

Baylor Genetics
Classification: Uncertain significance for Autosomal dominant nonsyndromic hearing loss 4A. Last evaluated: 2019-11-18. Review status: criteria provided, single submitter. Criteria: ACMG Guidelines, 2015. Collection method: clinical testing. Allele origin: unknown. Affected: yes.
Comment: This variant was determined to be of uncertain significance according to ACMG Guidelines, 2015 [PMID:25741868].

Laboratory for Molecular Medicine, Mass General Brigham Personalized Medicine
Classification: Likely benign. Last evaluated: 2018-05-10. Review status: criteria provided, single submitter. Criteria: LMM Criteria. Collection method: clinical testing. Allele origin: germline. Observed: 1 variant allele.
Comment: p.Ser665Leu in exon 17 of MYH14: This variant is classified as likely benign bec ause it is present in 0.02% (12/57060) of European chromosomes Genome Aggregatio n Database (gnomAD; dbSNP rs373698416) and com putational prediction tools and conservation analyses suggest that this variant may not impact the protein. ACMG/AMP Criteria applied: BS1, BP4.

NM_001145809.2(MYH14):c.1994C>T (p.Ser665Leu)

Gene: MYH14 (myosin heavy chain 14; plus strand). Cytogenetic location: 19q13.33.
Variant type: single nucleotide variant.
Coding change: c.1994C>T on transcript NM_001145809.2 (MANE Select); coding-DNA position 1994, C replaced by T.
Protein change: p.Ser665Leu; replaces serine 665 with leucine.
Molecular consequence: missense variant. On other transcripts: intron variant (2).
Genome position (GRCh38, 1-based): chr19:50,255,268, C>T. VCF-style: chr19-50255268-C-T. GRCh37 (hg19) VCF-style: chr19-50758525-C-T.
Other names: c.1946-2031C>T (NM_001077186.2); c.1922-2031C>T (NM_024729.4); short protein forms S665L.
Identifiers: ClinVar variation 666718 (VCV000666718.29), dbSNP rs373698416, ClinGen allele CA9592766.